The following is an entry in ClinVar:

NM_170606.3(KMT2C):c.11029T>C (p.Cys3677Arg)

Gene: KMT2C (lysine methyltransferase 2C; minus strand). Cytogenetic location: 7q36.1.
Variant type: single nucleotide variant.
Coding change: c.11029T>C on transcript NM_170606.3 (MANE Select); coding-DNA position 11029, T replaced by C.
Protein change: p.Cys3677Arg; replaces cysteine 3677 with arginine.
Molecular consequence: missense variant.
Genome position (GRCh38, 1-based): chr7:152,162,548, A>G on the plus strand (T>C on the coding strand, the complement: KMT2C is on the minus strand). VCF-style: chr7-152162548-A-G. GRCh37 (hg19) VCF-style: chr7-151859633-A-G.
Other names: short protein forms C3677R.
Identifiers: ClinVar variation 3257001 (VCV003257001.17).

ClinVar aggregate classification (germline): Likely benign (1 of 4 stars; one submission).

gnomAD v4.1: 42 of 1,614,114 alleles (0.0026%); highest among the groups gnomAD compares: Non-Finnish European, 0.0033%; no homozygotes.

Submission:

CeGaT Center for Human Genetics Tuebingen
Classification: Likely benign. Last evaluated: 2024-07-01. Review status: criteria provided, single submitter. Criteria: CeGaT Center For Human Genetics Tuebingen Variant Classification Criteria Version 2. Collection method: clinical testing. Allele origin: germline. Affected: yes. Observed: 1 variant allele.
Comment: KMT2C: BP4